The following is an entry in ClinVar:

ClinVar aggregate classification (germline): Uncertain significance (1 of 4 stars; one submission).

Conditions:
Hereditary spastic paraplegia 43. Also called: Spastic paraplegia 43, autosomal recessive. Identifiers: Orphanet 320370, MedGen C2680446, MONDO:0014024, OMIM 615043.

Allele frequency attached by ClinVar (database versions not stated): gnomAD exomes below 0.00001.
gnomAD v4.1: 1 of 1,613,804 alleles (0.000062%); highest among the groups gnomAD compares: Non-Finnish European, 0.000085%; no homozygotes.

Submission:

Labcorp Genetics (formerly Invitae), Labcorp
Classification: Uncertain significance for Hereditary spastic paraplegia 43. Last evaluated: 2022-04-29. Review status: criteria provided, single submitter. Criteria: Invitae Variant Classification Sherloc (09022015). Collection method: clinical testing. Allele origin: germline.
Comment: Algorithms developed to predict the effect of sequence changes on RNA splicing suggest that this variant may create or strengthen a splice site. In summary, the available evidence is currently insufficient to determine the role of this variant in disease. Therefore, it has been classified as a Variant of Uncertain Significance. Algorithms developed to predict the effect of missense changes on protein structure and function (SIFT, PolyPhen-2, Align-GVGD) all suggest that this variant is likely to be tolerated. This variant has not been reported in the literature in individuals affected with C19orf12-related conditions. This variant is not present in population databases (gnomAD no frequency). This sequence change replaces glutamine, which is neutral and polar, with lysine, which is basic and polar, at codon 149 of the C19orf12 protein (p.Gln149Lys).

NM_031448.6(C19orf12):c.412C>A (p.Gln138Lys)

Gene: C19orf12 (chromosome 19 open reading frame 12; minus strand). Cytogenetic location: 19q12.
Variant type: single nucleotide variant.
Coding change: c.412C>A on transcript NM_031448.6 (MANE Select); coding-DNA position 412, C replaced by A.
Protein change: p.Gln138Lys; replaces glutamine 138 with lysine.
Molecular consequence: missense variant. On other transcripts: 3 prime UTR variant (1).
Genome position (GRCh38, 1-based): chr19:29,702,726, G>T on the plus strand (C>A on the coding strand, the complement: C19orf12 is on the minus strand). VCF-style: chr19-29702726-G-T. GRCh37 (hg19) VCF-style: chr19-30193633-G-T.
Other names: c.412C>A, p.Gln138Lys (NM_001031726.4, NM_001256047.2); c.*33C>A (NM_001256046.3); c.220C>A, p.Gln74Lys (NM_001282929.1, NM_001282930.3, NM_001282931.3); short protein forms Q138K, Q74K.
Identifiers: ClinVar variation 2162175 (VCV002162175.4), dbSNP rs2513278877, ClinGen allele CA405142252.
Genomic context (GRCh38, chr19:29,702,726, plus strand): 5'-TCACAGAGTCATTTAAAGGGGCCCCCCACCTCCCCGGAGGTGCGGCCTAGTCATCATACT[G>T]GATCTCGGCCCGCAGCTCCTTGGTGACGTAGTTCACCAGCATGGCCAGCAGCTGCTGCTG-3'
Protein context (NP_113636.2, residues 128-141): YVTKELRAEI[Gln138Lys]YDD